The following is an entry in ClinVar:

NM_182943.3(PLOD2):c.1689A>C (p.Glu563Asp)

Gene: PLOD2 (procollagen-lysine,2-oxoglutarate 5-dioxygenase 2; minus strand). Cytogenetic location: 3q24.
Variant type: single nucleotide variant.
Coding change: c.1689A>C on transcript NM_182943.3 (MANE Select); coding-DNA position 1689, A replaced by C.
Protein change: p.Glu563Asp; replaces glutamic acid 563 with aspartic acid.
Molecular consequence: missense variant.
Genome position (GRCh38, 1-based): chr3:146,073,341, T>G on the plus strand (A>C on the coding strand, the complement: PLOD2 is on the minus strand). VCF-style: chr3-146073341-T-G. GRCh37 (hg19) VCF-style: chr3-145791128-T-G.
Other names: c.1626A>C, p.Glu542Asp (NM_000935.3); short protein forms E542D, E563D.
Identifiers: ClinVar variation 2168003 (VCV002168003.1), dbSNP rs1440794726, ClinGen allele CA354885374.
Genomic context (GRCh38, chr3:146,073,341, plus strand): 5'-ACAAACCTGTTCAACTATATTTTCAGTGAAAATCTTTGAATAATCACGGTTTATATACTT[T>G]TCCTTCCAGTCCTATAAAAAGAAGTACATATTAAAACAAATATCTTTATAAATACTTCAC-3'
Protein context (NP_891988.1, residues 553-573): QIFENPVDWK[Glu563Asp]KYINRDYSKI

ClinVar aggregate classification (germline): Uncertain significance (1 of 4 stars; one submission).

Allele frequency attached by ClinVar (database versions not stated): gnomAD 0.00002; TOPMed 0.00003.
gnomAD v4.1: 19 of 1,186,850 alleles (0.0016%); highest among the groups gnomAD compares: Non-Finnish European, 0.0022%; no homozygotes.

Submission:

Labcorp Genetics (formerly Invitae), Labcorp
Classification: Uncertain significance. Last evaluated: 2022-06-15. Review status: criteria provided, single submitter. Criteria: Invitae Variant Classification Sherloc (09022015). Collection method: clinical testing. Allele origin: germline.
Comment: This sequence change replaces glutamic acid, which is acidic and polar, with aspartic acid, which is acidic and polar, at codon 563 of the PLOD2 protein (p.Glu563Asp). This variant is present in population databases (no rsID available, gnomAD 0.004%). This variant has not been reported in the literature in individuals affected with PLOD2-related conditions. Algorithms developed to predict the effect of missense changes on protein structure and function (SIFT, PolyPhen-2, Align-GVGD) all suggest that this variant is likely to be tolerated. In summary, the available evidence is currently insufficient to determine the role of this variant in disease. Therefore, it has been classified as a Variant of Uncertain Significance.